The following is an entry in ClinVar:

NM_174878.3(CLRN1):c.578del (p.Phe193fs)

Gene: CLRN1 (clarin 1; minus strand). Cytogenetic location: 3q25.1.
Variant type: Deletion.
Coding change: c.578del on transcript NM_174878.3 (MANE Select); coding-DNA position 578, one base deleted (T; older notation c.578delT).
Protein change: p.Phe193fs; shifts the reading frame from phenylalanine 193.
Molecular consequence: frameshift variant. On other transcripts: 3 prime UTR variant (1), non-coding transcript variant (1), intron variant (1).
Genome position (GRCh38, 1-based): chr3:150,928,057, A deleted on the plus strand (T on the coding strand, the reverse complement: CLRN1 is on the minus strand); the first of 4 consecutive A bases (chr3:150,928,057-150,928,060); deleting any one gives the same sequence. VCF-style (leftmost placement, unchanged base first): chr3-150928056-GA-G. GRCh37 (hg19) VCF-style: chr3-150645843-GA-G.
Other names: c.617del, p.Phe206fs (NM_001195794.1); c.*192del (NM_001256819.2); c.342+8del (NM_052995.2); short protein forms F206fs, F193fs.
Identifiers: ClinVar variation 644615 (VCV000644615.10), dbSNP rs1231668679, ClinGen allele CA547366918.

ClinVar aggregate classification (germline): Pathogenic/Likely pathogenic. Review status: criteria provided, multiple submitters, no conflicts (2 of 4 stars). 4 submissions from 4 submitters: Pathogenic (1); Likely pathogenic (3). Last evaluated 2025-09-12.

Conditions:
Retinitis pigmentosa 61 (RP61). Identifiers: Orphanet 791, MedGen C3280041, MONDO:0013610, OMIM 614180.
Usher syndrome type 3A (USH3A). Also called: USHER SYNDROME, TYPE IIIA. Identifiers: MedGen C5779850, MONDO:0010170, OMIM 276902.
Usher syndrome type 3. Also called: Usher Syndrome, Type III. Identifiers: Orphanet 231183, MedGen C1568248, MONDO:0016485.

Submissions (4):

Natera, Inc.
Classification: Likely pathogenic for Usher syndrome type 3. Last evaluated: 2025-09-12. Review status: criteria provided, single submitter. Criteria: Natera Variant Classification Schema (03/2026). Collection method: clinical testing. Allele origin: germline.
Comment: The c.578delT variant in CLRN1 is a frameshift variant predicted to shift the reading frame beginning at codon 193 and leads to a stop codon 9 codons downstream. This variant is expected to result in nonsense mediated decay, truncation, or a dysfunctional protein product. This variant is rare in the general population with a frequency below the threshold expected for the associated phenotype(s). Given the available evidence, this variant is classified as Likely Pathogenic.

Fulgent Genetics
Classification: Likely pathogenic for Usher syndrome type 3A; Retinitis pigmentosa 61. Last evaluated: 2024-01-18. Review status: criteria provided, single submitter. Criteria: ACMG Guidelines, 2015. Collection method: clinical testing. Allele origin: germline.

Baylor Genetics
Classification: Likely pathogenic for Retinitis pigmentosa 61. Last evaluated: 2023-11-26. Review status: criteria provided, single submitter. Criteria: ACMG Guidelines, 2015. Collection method: clinical testing. Allele origin: unknown.

Labcorp Genetics (formerly Invitae), Labcorp
Classification: Pathogenic. Last evaluated: 2021-08-28. Review status: criteria provided, single submitter. Criteria: Invitae Variant Classification Sherloc (09022015). Collection method: clinical testing. Allele origin: germline.
Comment: This sequence change creates a premature translational stop signal (p.Phe193Serfs*9) in the CLRN1 gene. While this is not anticipated to result in nonsense mediated decay, it is expected to disrupt the last 40 amino acid(s) of the CLRN1 protein. For these reasons, this variant has been classified as Pathogenic. This variant disrupts a region of the CLRN1 protein in which other variant(s) (p.R207*) have been determined to be pathogenic (PMID: 22952768, 23304067). This suggests that this is a clinically significant region of the protein, and that variants that disrupt it are likely to be disease-causing. ClinVar contains an entry for this variant (Variation ID: 644615). This variant has not been reported in the literature in individuals affected with CLRN1-related conditions. This variant is not present in population databases (ExAC no frequency).

Literature cited by the submitters: PubMed 22952768 (cited by Labcorp Genetics (formerly Invitae), Labcorp); PubMed 23304067 (cited by Labcorp Genetics (formerly Invitae), Labcorp).